The following is an entry in ClinVar:

ClinVar aggregate classification (germline): Uncertain significance (1 of 4 stars; one submission).

Conditions:
Autosomal recessive limb-girdle muscular dystrophy type R18 (LGMDR18). Also called: Limb-girdle muscular dystrophy, type 2S; MUSCULAR DYSTROPHY, LIMB-GIRDLE, AUTOSOMAL RECESSIVE 18; Autosomal recessive limb-girdle muscular dystrophy type 2S. Identifiers: Orphanet 369840, MedGen C4517996, MONDO:0014144, OMIM 615356.

Submission:

Labcorp Genetics (formerly Invitae), Labcorp
Classification: Uncertain significance for Autosomal recessive limb-girdle muscular dystrophy type R18. Last evaluated: 2023-09-09. Review status: criteria provided, single submitter. Criteria: Invitae Variant Classification Sherloc (09022015). Collection method: clinical testing. Allele origin: germline.
Comment: In summary, the available evidence is currently insufficient to determine the role of this variant in disease. Therefore, it has been classified as a Variant of Uncertain Significance. Advanced modeling of protein sequence and biophysical properties (such as structural, functional, and spatial information, amino acid conservation, physicochemical variation, residue mobility, and thermodynamic stability) performed at Invitae indicates that this missense variant is not expected to disrupt TRAPPC11 protein function. This variant has not been reported in the literature in individuals affected with TRAPPC11-related conditions. This variant is not present in population databases (gnomAD no frequency). This sequence change replaces valine, which is neutral and non-polar, with glutamic acid, which is acidic and polar, at codon 941 of the TRAPPC11 protein (p.Val941Glu).

NM_021942.6(TRAPPC11):c.2822T>A (p.Val941Glu)

Gene: TRAPPC11 (trafficking protein particle complex subunit 11; plus strand). Cytogenetic location: 4q35.1.
Variant type: single nucleotide variant.
Coding change: c.2822T>A on transcript NM_021942.6 (MANE Select); coding-DNA position 2822, T replaced by A.
Protein change: p.Val941Glu; replaces valine 941 with glutamic acid.
Molecular consequence: missense variant.
Genome position (GRCh38, 1-based): chr4:183,697,806, T>A. VCF-style: chr4-183697806-T-A. GRCh37 (hg19) VCF-style: chr4-184618959-T-A.
Other names: c.2822T>A, p.Val941Glu (NM_199053.3); short protein forms V941E.
Identifiers: ClinVar variation 2759275 (VCV002759275.2), dbSNP rs1736616496, ClinGen allele CA358873475.